The following is an entry in ClinVar:

NM_006514.4(SCN10A):c.4164G>A (p.Trp1388Ter)

Gene: SCN10A (sodium voltage-gated channel alpha subunit 10; minus strand). Cytogenetic location: 3p22.2.
Variant type: single nucleotide variant.
Coding change: c.4164G>A on transcript NM_006514.4 (MANE Select); coding-DNA position 4164, G replaced by A.
Protein change: p.Trp1388Ter; replaces tryptophan 1388 with a stop codon.
Molecular consequence: nonsense.
Genome position (GRCh38, 1-based): chr3:38,709,595, C>T on the plus strand (G>A on the coding strand, the complement: SCN10A is on the minus strand). VCF-style: chr3-38709595-C-T. GRCh37 (hg19) VCF-style: chr3-38751086-C-T.
Other names: c.4161G>A, p.Trp1387Ter (NM_001293306.2); c.3870G>A, p.Trp1290Ter (NM_001293307.2); short protein forms W1388*, W1387*, W1290*.
Identifiers: ClinVar variation 463258 (VCV000463258.11), dbSNP rs756253735, ClinGen allele CA2319989.
Genomic context (GRCh38, chr3:38,709,595, plus strand): 5'-GAAGAAGCCTCCAAAAATGATGAAGATGACAAAGTACAAATACATGTACACGTTGTCCTC[C>T]CACTTGGGTTGCATGTTGACCTGTGACCAGACAAGGGAGAGTGGGAAGGAGGGTGGGTGT-3'

ClinVar aggregate classification (germline): Uncertain significance. Review status: criteria provided, multiple submitters, no conflicts (2 of 4 stars). 4 submissions from 4 submitters: Uncertain significance (4). Last evaluated 2026-07-24.

Conditions:
SCN10A-related disorder. Also called: SCN10A-related condition.
Cardiovascular phenotype. Identifiers: MedGen CN230736.
Brugada syndrome. Also called: Sudden unexpected nocturnal death syndrome; Sudden unexplained nocturnal death syndrome; Sudden Unexplained Death Syndrome; Sudden Unexplained Nocturnal Death Syndrome (SUNDS). Identifiers: Orphanet 130, MedGen C1142166, MONDO:0015263.

Allele frequency attached by ClinVar (database versions not stated): ExAC 0.00001; gnomAD exomes 0.00001 and 0.00002; TOPMed 0.00002; gnomAD 0.00003.
gnomAD v4.1: 25 of 1,606,000 alleles (0.0016%); highest among the groups gnomAD compares: Non-Finnish European, 0.002%; 1 homozygote.

Submissions (4):

PreventionGenetics, part of Exact Sciences
Classification: Uncertain significance for SCN10A-related condition. Last evaluated: 2026-07-24. Review status: criteria provided, single submitter. Criteria: ACMG Guidelines, 2015. Collection method: clinical testing. Allele origin: germline.
Comment: The SCN10A c.4164G>A variant is predicted to result in premature protein termination (p.Trp1388*). To our knowledge, this variant has not been reported in the literature. This variant is reported in 0.0024% of alleles in individuals of European (Non-Finnish) descent in gnomAD. At this time, the clinical significance of this variant is uncertain due to the absence of conclusive functional and genetic evidence.

Labcorp Genetics (formerly Invitae), Labcorp
Classification: Uncertain significance for Brugada syndrome. Last evaluated: 2025-07-09. Review status: criteria provided, single submitter. Criteria: Invitae Variant Classification Sherloc (09022015). Collection method: clinical testing. Allele origin: germline.
Comment: This sequence change creates a premature translational stop signal (p.Trp1388*) in the SCN10A gene. It is expected to result in an absent or disrupted protein product. However, the current clinical and genetic evidence is not sufficient to establish whether loss-of-function variants in SCN10A cause disease. This variant is present in population databases (rs756253735, gnomAD 0.002%). This variant has not been reported in the literature in individuals affected with SCN10A-related conditions. ClinVar contains an entry for this variant (Variation ID: 463258). In summary, the available evidence is currently insufficient to determine the role of this variant in disease. Therefore, it has been classified as a Variant of Uncertain Significance.

Ambry Genetics
Classification: Uncertain significance for Cardiovascular phenotype. Last evaluated: 2020-10-12. Review status: criteria provided, single submitter. Criteria: Ambry Variant Classification Scheme 2023. Collection method: clinical testing. Allele origin: germline.
Comment: The p.W1388* variant (also known as c.4164G>A), located in coding exon 24 of the SCN10A gene, results from a G to A substitution at nucleotide position 4164. This changes the amino acid from a tryptophan to a stop codon within coding exon 24. This alteration is expected to result in premature protein truncation or nonsense-mediated mRNA decay. However, loss of function of SCN10A has not been clearly established as a mechanism of disease. Since supporting evidence is limited at this time, the clinical significance of this alteration remains unclear.

GeneDx
Classification: Uncertain significance. Last evaluated: 2016-07-22. Review status: criteria provided, single submitter. Criteria: GeneDx Variant Classification (06012015). Collection method: clinical testing. Allele origin: germline. Affected: yes.
Comment: The W1388X variant in the SCN10A gene has not been reported previously as a pathogenic variant nor as a benign variant, to our knowledge. This variant is predicted to cause loss of normal protein function either through protein truncation or nonsense-mediated mRNA decay. The W1388X variant was not observed in approximately 6,500 individuals of European and African American ancestry in the NHLBI Exome Sequencing Project, indicating it is not a common benign variant in these populations. We interpret W1388X as a variant of uncertain significance.